The following is an entry in ClinVar:

ClinVar aggregate classification (germline): Uncertain significance (1 of 4 stars; one submission).

Allele frequency attached by ClinVar (database versions not stated): gnomAD exomes below 0.00001; TOPMed below 0.00001; ExAC 0.00001.

Submission:

Labcorp Genetics (formerly Invitae), Labcorp
Classification: Uncertain significance. Last evaluated: 2022-09-26. Review status: criteria provided, single submitter. Criteria: Invitae Variant Classification Sherloc (09022015). Collection method: clinical testing. Allele origin: germline.
Comment: In summary, the available evidence is currently insufficient to determine the role of this variant in disease. Therefore, it has been classified as a Variant of Uncertain Significance. This sequence change replaces lysine, which is basic and polar, with asparagine, which is neutral and polar, at codon 99 of the CLUAP1 protein (p.Lys99Asn). This variant is present in population databases (rs758808812, gnomAD 0.0009%). This variant has not been reported in the literature in individuals affected with CLUAP1-related conditions. ClinVar contains an entry for this variant (Variation ID: 1059277). Advanced modeling of protein sequence and biophysical properties (such as structural, functional, and spatial information, amino acid conservation, physicochemical variation, residue mobility, and thermodynamic stability) performed at Invitae indicates that this missense variant is expected to disrupt CLUAP1 protein function.

NM_015041.3(CLUAP1):c.297G>T (p.Lys99Asn)

Gene: CLUAP1 (clusterin associated protein 1; plus strand). Cytogenetic location: 16p13.3.
Variant type: single nucleotide variant.
Coding change: c.297G>T on transcript NM_015041.3 (MANE Select); coding-DNA position 297, G replaced by T.
Protein change: p.Lys99Asn; replaces lysine 99 with asparagine.
Molecular consequence: missense variant.
Genome position (GRCh38, 1-based): chr16:3,508,366, G>T. VCF-style: chr16-3508366-G-T. GRCh37 (hg19) VCF-style: chr16-3558366-G-T.
Other names: c.297G>T, p.Lys99Asn (NM_001330454.2); short protein forms K99N.
Identifiers: ClinVar variation 1059277 (VCV001059277.10), dbSNP rs758808812, ClinGen allele CA7863675.